The following is an entry in ClinVar:

ClinVar aggregate classification (germline): Uncertain significance (1 of 4 stars; one submission).

Conditions:
Familial cold autoinflammatory syndrome 3 (FCAS3). Also called: FAMILIAL ATYPICAL COLD URTICARIA; ANTIBODY DEFICIENCY AND IMMUNE DYSREGULATION, PLCG2-ASSOCIATED. Identifiers: Orphanet 300359, MedGen C3280914, MONDO:0013766, OMIM 614468.

Allele frequency attached by ClinVar (database versions not stated): ExAC 0.00001; gnomAD 0.00001; gnomAD exomes 0.00001; TOPMed 0.00001.
gnomAD v4.1: 22 of 1,603,980 alleles (0.0014%); highest among the groups gnomAD compares: Middle Eastern, 0.016%; no homozygotes.

Submission:

Labcorp Genetics (formerly Invitae), Labcorp
Classification: Uncertain significance for Familial cold autoinflammatory syndrome 3. Last evaluated: 2022-12-26. Review status: criteria provided, single submitter. Criteria: Invitae Variant Classification Sherloc (09022015). Collection method: clinical testing. Allele origin: germline.
Comment: This sequence change replaces proline, which is neutral and non-polar, with leucine, which is neutral and non-polar, at codon 767 of the PLCG2 protein (p.Pro767Leu). This variant is present in population databases (rs757834798, gnomAD 0.004%). This missense change has been observed in individual(s) with primary immunodeficiency disease (PMID: 27577878). Algorithms developed to predict the effect of missense changes on protein structure and function (SIFT, PolyPhen-2, Align-GVGD) all suggest that this variant is likely to be tolerated. In summary, the available evidence is currently insufficient to determine the role of this variant in disease. Therefore, it has been classified as a Variant of Uncertain Significance.

Literature cited by the submitters: PubMed 27577878.

NM_002661.5(PLCG2):c.2300C>T (p.Pro767Leu)

Gene: PLCG2 (phospholipase C gamma 2; plus strand). Cytogenetic location: 16q23.3.
Variant type: single nucleotide variant.
Coding change: c.2300C>T on transcript NM_002661.5 (MANE Select); coding-DNA position 2300, C replaced by T.
Protein change: p.Pro767Leu; replaces proline 767 with leucine.
Molecular consequence: missense variant.
Genome position (GRCh38, 1-based): chr16:81,921,262, C>T. VCF-style: chr16-81921262-C-T. GRCh37 (hg19) VCF-style: chr16-81954867-C-T.
Other names: short protein forms P767L.
Identifiers: ClinVar variation 2197765 (VCV002197765.4), dbSNP rs757834798, ClinGen allele CA8194163.